The following is an entry in ClinVar:

ClinVar aggregate classification (germline): Benign. Review status: criteria provided, multiple submitters, no conflicts (2 of 4 stars). 11 submissions from 11 submitters: Benign (8). 3 of the submissions do not count toward it. Last evaluated 2026-02-04.

Conditions:
Donnai-Barrow syndrome. Also called: FACIOOCULOACOUSTICORENAL SYNDROME; DBS/FOAR SYNDROME. Identifiers: Orphanet 2143, MedGen C1857277, MONDO:0009104, OMIM 222448.

Allele frequency attached by ClinVar (database versions not stated): 1000 Genomes Project 30x 0.98392; 1000 Genomes Project 0.98462; TOPMed 0.98731; ESP Exome Variant Server 0.98924; ExAC 0.99711; gnomAD exomes 0.99771.
gnomAD v4.1: 1,564,403 of 1,567,598 alleles (100%); highest among the groups gnomAD compares: East Asian, 100%; 780,668 homozygotes.

Submissions (11):

Labcorp Genetics (formerly Invitae), Labcorp
Classification: Benign. Last evaluated: 2026-02-04. Review status: criteria provided, single submitter. Criteria: Invitae Variant Classification Sherloc (09022015). Collection method: clinical testing. Allele origin: germline.

Blueprint Genetics
Classification: Benign. Last evaluated: 2024-11-26. Review status: criteria provided, single submitter. Criteria: ACMG Guidelines, 2015. Collection method: clinical testing. Allele origin: germline.

Mayo Clinic Laboratories, Mayo Clinic
Classification: Benign. Last evaluated: 2022-11-10. Review status: criteria provided, single submitter. Criteria: ACMG Guidelines, 2015. Collection method: clinical testing. Allele origin: germline. Observed: 128 variant alleles.

Genome-Nilou Lab
Classification: Benign for Donnai-Barrow syndrome. Last evaluated: 2021-08-19. Review status: criteria provided, single submitter. Criteria: ACMG Guidelines, 2015. Collection method: clinical testing. Allele origin: germline. Affected: no.

Illumina Laboratory Services, Illumina
Classification: Benign for Donnai-Barrow syndrome. Last evaluated: 2018-01-12. Review status: criteria provided, single submitter. Criteria: ICSL Variant Classification Criteria 13 December 2019. Collection method: clinical testing. Allele origin: germline.
Comment: This variant was observed in the ICSL laboratory as part of a predisposition screen in an ostensibly healthy population. It had not been previously curated by ICSL or reported in the Human Gene Mutation Database (HGMD: prior to June 1st, 2018), and was therefore a candidate for classification through an automated scoring system. Utilizing variant allele frequency, disease prevalence and penetrance estimates, and inheritance mode, an automated score was calculated to assess if this variant is too frequent to cause the disease. Based on the score and internal cut-off values, a variant classified as benign is not then subjected to further curation. The score for this variant resulted in a classification of benign for this disease.

GeneDx
Classification: Benign. Last evaluated: 2015-03-03. Review status: criteria provided, single submitter. Criteria: GeneDx Variant Classification Process June 2021. Collection method: clinical testing. Allele origin: germline. Affected: yes.

Breakthrough Genomics
Classification: Benign. Review status: criteria provided, single submitter. Criteria: ACMG Guidelines, 2015. Collection method: not provided. Allele origin: germline. Inheritance: Autosomal recessive inheritance. Affected: yes.

PreventionGenetics, part of Exact Sciences
Classification: Benign. Review status: criteria provided, single submitter. Criteria: ACMG Guidelines, 2015. Collection method: clinical testing. Allele origin: germline.

Diagnostic Laboratory, Department of Genetics, University Medical Center Groningen
Classification: Benign. Review status: no assertion criteria provided. Collection method: clinical testing. Allele origin: germline. Affected: yes. Study: VKGL Data-share Consensus. Not counted in ClinVar's aggregate classification.

Genetic Services Laboratory, University of Chicago
Classification: Likely benign for AllHighlyPenetrant. Review status: no assertion criteria provided. Collection method: clinical testing. Allele origin: germline. Inheritance: Autosomal recessive inheritance. Not counted in ClinVar's aggregate classification.
Comment: Likely benign based on allele frequency in 1000 Genomes Project or ESP global frequency and its presence in a patient with a rare or unrelated disease phenotype. NOT Sanger confirmed.

Joint Genome Diagnostic Labs from Nijmegen and Maastricht, Radboudumc and MUMC+
Classification: Benign. Review status: no assertion criteria provided. Collection method: clinical testing. Allele origin: germline. Affected: yes. Study: VKGL Data-share Consensus. Not counted in ClinVar's aggregate classification.

NM_004525.3(LRP2):c.63G>C (p.Ala21=)

Gene: LRP2 (LDL receptor related protein 2; minus strand). Cytogenetic location: 2q31.1.
Variant type: single nucleotide variant.
Coding change: c.63G>C on transcript NM_004525.3 (MANE Select); coding-DNA position 63, G replaced by C.
Protein change: p.Ala21=; no amino-acid change (alanine 21 retained).
Molecular consequence: synonymous variant.
Genome position (GRCh38, 1-based): chr2:169,362,337, C>G on the plus strand (G>C on the coding strand, the complement: LRP2 is on the minus strand). VCF-style: chr2-169362337-C-G. GRCh37 (hg19) VCF-style: chr2-170218847-C-G.
Other names: p.Ala21=.
Identifiers: ClinVar variation 129534 (VCV000129534.29), dbSNP rs1559014, ClinGen allele CA153605.